The following is an entry in ClinVar:

NM_004006.3(DMD):c.657T>A (p.Asp219Glu)

Gene: DMD (dystrophin; minus strand). Cytogenetic location: Xp21.1.
Variant type: single nucleotide variant.
Coding change: c.657T>A on transcript NM_004006.3 (MANE Select); coding-DNA position 657, T replaced by A.
Protein change: p.Asp219Glu; replaces aspartic acid 219 with glutamic acid.
Molecular consequence: missense variant.
Genome position (GRCh38, 1-based): chrX:32,699,286, A>T on the plus strand (T>A on the coding strand, the complement: DMD is on the minus strand). VCF-style: chrX-32699286-A-T. GRCh37 (hg19) VCF-style: chrX-32717403-A-T.
Other names: c.633T>A, p.Asp211Glu (NM_000109.4); c.645T>A, p.Asp215Glu (NM_004009.3); c.288T>A, p.Asp96Glu (NM_004010.3); short protein forms D219E, D96E, D211E, D215E.
Identifiers: ClinVar variation 580460 (VCV000580460.10), dbSNP rs771312947, ClinGen allele CA10380091.

ClinVar aggregate classification (germline): Conflicting classifications of pathogenicity. Review status: criteria provided, conflicting classifications (1 of 4 stars). 3 submissions from 3 submitters: Uncertain significance (1); Likely benign (1). 1 of the submissions does not count toward it. Last evaluated 2025-04-29.

Conditions:
Cardiomyopathy (CMYO). Also called: Cardiomyopathies. Identifiers: Orphanet 167848, MedGen C0878544, MONDO:0004994, HP:0001638. Inheritance: Various modes of inheritance.
Duchenne muscular dystrophy (DMD). Also called: MUSCULAR DYSTROPHY, PSEUDOHYPERTROPHIC PROGRESSIVE, DUCHENNE TYPE; Duchenne Muscular Dystrophy (DMD). Identifiers: Orphanet 98896, MedGen C0013264, MONDO:0010679, OMIM 310200.
Becker muscular dystrophy (BMD). Also called: MUSCULAR DYSTROPHY, PSEUDOHYPERTROPHIC PROGRESSIVE, BECKER TYPE; Becker Muscular Dystrophy (BMD). Identifiers: Orphanet 98895, MedGen C0917713, MONDO:0010311, OMIM 300376.
Dystrophin deficiency.
Cardiovascular phenotype. Identifiers: MedGen CN230736.

Allele frequency attached by ClinVar (database versions not stated): ExAC 0.00002; gnomAD exomes 0.00002; TOPMed 0.00002; gnomAD 0.00001.
gnomAD v4.1: 59 of 1,201,407 alleles (0.0049%); highest among the groups gnomAD compares: East Asian, 0.18%; no homozygotes.

Submissions (3):

Ambry Genetics
Classification: Uncertain significance for Cardiovascular phenotype. Last evaluated: 2025-04-29. Review status: criteria provided, single submitter. Criteria: Ambry Variant Classification Scheme 2023. Collection method: clinical testing. Allele origin: germline.
Comment: The p.D219E variant (also known as c.657T>A), located in coding exon 8 of the DMD gene, results from a T to A substitution at nucleotide position 657. The aspartic acid at codon 219 is replaced by glutamic acid, an amino acid with highly similar properties. Based on data from gnomAD, the A allele has an overall frequency of 0.0022% (4/182437) total alleles studied, with 1 hemizygote observed. The highest observed frequency was 0.0289% (4/13828) of East Asian alleles. This amino acid position is poorly conserved in available vertebrate species. In addition, this alteration is predicted to be tolerated by in silico analysis. Since supporting evidence is limited at this time, the clinical significance of this alteration remains unclear.

Labcorp Genetics (formerly Invitae), Labcorp
Classification: Likely benign for Duchenne muscular dystrophy. Last evaluated: 2024-02-14. Review status: criteria provided, single submitter. Criteria: Invitae Variant Classification Sherloc (09022015). Collection method: clinical testing. Allele origin: germline.

Natera, Inc.
Classification: Uncertain significance for Becker muscular dystrophy; Cardiomyopathy; Duchenne muscular dystrophy; Dystrophin deficiency. Last evaluated: 2020-03-18. Review status: no assertion criteria provided. Collection method: clinical testing. Allele origin: germline. Not counted in ClinVar's aggregate classification.